The following is an entry in ClinVar:

ClinVar aggregate classification (germline): Uncertain significance (1 of 4 stars; one submission).

Conditions:
Inborn genetic diseases. Identifiers: MedGen C0950123, MeSH D030342.

Submission:

Ambry Genetics
Classification: Uncertain significance for Inborn genetic diseases. Last evaluated: 2024-03-02. Review status: criteria provided, single submitter. Criteria: Ambry Variant Classification Scheme 2023. Collection method: clinical testing. Allele origin: germline.
Comment: The p.P597L variant (also known as c.1790C>T), located in coding exon 8 of the ATR gene, results from a C to T substitution at nucleotide position 1790. The proline at codon 597 is replaced by leucine, an amino acid with similar properties. This amino acid position is conserved. In addition, the in silico prediction for this alteration is inconclusive. Based on the available evidence, the clinical significance of this alteration remains unclear.

NM_001184.4(ATR):c.1790C>T (p.Pro597Leu)

Gene: ATR (ATR checkpoint kinase; minus strand). Cytogenetic location: 3q23.
Variant type: single nucleotide variant.
Coding change: c.1790C>T on transcript NM_001184.4 (MANE Select); coding-DNA position 1790, C replaced by T.
Protein change: p.Pro597Leu; replaces proline 597 with leucine.
Molecular consequence: missense variant.
Genome position (GRCh38, 1-based): chr3:142,558,719, G>A on the plus strand (C>T on the coding strand, the complement: ATR is on the minus strand). VCF-style: chr3-142558719-G-A. GRCh37 (hg19) VCF-style: chr3-142277561-G-A.
Other names: c.1598C>T, p.Pro533Leu (NM_001354579.2); short protein forms P533L, P597L.
Identifiers: ClinVar variation 3221064 (VCV003221064.1), dbSNP rs2108477763, ClinGen allele CA354821210.